The following is an entry in ClinVar:

NM_000214.3(JAG1):c.455T>C (p.Ile152Thr)

Gene: JAG1 (jagged canonical Notch ligand 1; minus strand). Cytogenetic location: 20p12.2.
Variant type: single nucleotide variant.
Coding change: c.455T>C on transcript NM_000214.3 (MANE Select); coding-DNA position 455, T replaced by C.
Protein change: p.Ile152Thr; replaces isoleucine 152 with threonine.
Molecular consequence: missense variant.
Genome position (GRCh38, 1-based): chr20:10,658,707, A>G on the plus strand (T>C on the coding strand, the complement: JAG1 is on the minus strand). VCF-style: chr20-10658707-A-G. GRCh37 (hg19) VCF-style: chr20-10639355-A-G.
Other names: short protein forms I152T.
Identifiers: ClinVar variation 3573037 (VCV003573037.2).

Conditions:
Arteriohepatic dysplasia. Also called: Alagille Syndrome. Identifiers: Orphanet 52, MedGen C0085280, MeSH D016738, MONDO:0007318.

Submission:

Gilbert/Spinner Lab, Children's Hospital of Philadelphia
No classification provided (evidence only). Condition: Alagille syndrome. Review status: no classification provided. Collection method: research. Allele origin: not applicable. Functional consequence: functionally_abnormal.
ClinVar note: "not provided" was previously submitted as the classification for the variant. However, the classification appeared to be based only on an observation of functional data so it was converted to no classification on 2025-07-30.